The following is an entry in ClinVar:

NM_001110556.2(FLNA):c.7465C>T (p.Pro2489Ser)

Gene: FLNA (filamin A; minus strand). Cytogenetic location: Xq28.
Variant type: single nucleotide variant.
Coding change: c.7465C>T on transcript NM_001110556.2 (MANE Select); coding-DNA position 7465, C replaced by T.
Protein change: p.Pro2489Ser; replaces proline 2489 with serine.
Molecular consequence: missense variant.
Genome position (GRCh38, 1-based): chrX:154,349,736, G>A on the plus strand (C>T on the coding strand, the complement: FLNA is on the minus strand). VCF-style: chrX-154349736-G-A. GRCh37 (hg19) VCF-style: chrX-153578104-G-A.
Other names: c.7441C>T, p.Pro2481Ser (NM_001456.4); short protein forms P2481S, P2489S.
Identifiers: ClinVar variation 5007526 (VCV005007526.2).

ClinVar aggregate classification (germline): Uncertain significance (1 of 4 stars; one submission).

Conditions:
Frontometaphyseal dysplasia 1 (FMD1). Also called: Frontometaphyseal Dysplasia (FLNA-FMD). Identifiers: Orphanet 1826, MedGen C4281559, MONDO:0024550, OMIM 305620.
Oto-palato-digital syndrome, type I (OPD1). Also called: OPD I SYNDROME; OPD SYNDROME 1; Otopalatodigital Syndrome, Type I; Otopalatodigital Syndrome Type 1 (FLNA-OPD1); Taybi syndrome. Identifiers: Orphanet 669, Orphanet 90650, MedGen C0265251, MONDO:0010704, OMIM 311300.
Oto-palato-digital syndrome, type II (OPD2). Also called: OPD II SYNDROME; Otopalatodigital Syndrome, Type II; Otopalatodigital Syndrome Type 2 (FLNA-OPD2); FACIOPALATOOSSEOUS SYNDROME. Identifiers: Orphanet 669, Orphanet 90652, MedGen C1844696, MONDO:0010571, OMIM 304120.
Melnick-Needles syndrome (MNS). Also called: MELNICK-NEEDLES OSTEODYSPLASTY; OSTEODYSPLASTY OF MELNICK AND NEEDLES; Melnick-Needles Syndrome (FLNA-MNS). Identifiers: Orphanet 2484, MedGen C0025237, MONDO:0010650, OMIM 309350.
FG syndrome 2 (FGS2). Identifiers: MedGen C1845902, MONDO:0010297, OMIM 300321.
Cardiac valvular dysplasia, X-linked (CVDPX). Also called: FLNA-Related X-linked Cardiac Valvular Dysplasia; MYXOMATOUS VALVULAR DYSTROPHY, X-LINKED; Isolated X-Linked Cardiac Valvular Dysplasia; VALVULAR HEART DISEASE, CONGENITAL; Congenital valvular dysplasia. Identifiers: Orphanet 1864, Orphanet 555877, Orphanet 75497, MedGen C0262436, MONDO:0010753, OMIM 314400.
Terminal osseous dysplasia-pigmentary defects syndrome. Also called: ODPD; ODPF SYNDROME; OSSEOUS DYSPLASIA, DIGITAL, WITH FACIAL PIGMENTARY DEFECTS AND MULTIPLE FRENULA; TERMINAL OSSEOUS DYSPLASIA AND PIGMENTARY DEFECTS; Terminal Osseous Dysplasia (FLNA-TOD). Identifiers: Orphanet 88630, MedGen C1846129, MONDO:0010279, OMIM 300244.
Intestinal pseudoobstruction, neuronal, chronic idiopathic, X-linked (CIIPX). Also called: INTESTINAL PSEUDOOBSTRUCTION, NEURONAL, CHRONIC IDIOPATHIC, WITH CENTRAL NERVOUS SYSTEM INVOLVEMENT; FLNA-Related Periventricular Nodular Heterotopia (FLNA-Related PVNH; Huttenlocher Syndrome); CONGENITAL IDIOPATHIC INTESTINAL PSEUDOOBSTRUCTION. Identifiers: Orphanet 2301, MedGen C2746068, MONDO:0010232, OMIM 300048.
Heterotopia, periventricular, X-linked dominant (PVNH1). Also called: PERIVENTRICULAR NODULAR HETEROTOPIA 1; PERIVENTRICULAR NODULAR HETEROTOPIA 4; HETEROTOPIA, PERIVENTRICULAR, 1; X-linked periventricular heterotopia. Identifiers: Orphanet 2149, Orphanet 82004, MedGen C1848213, MONDO:0010233, OMIM 300049.

Submission:

Juno Genomics, Hangzhou Juno Genomics, Inc
Classification: Uncertain significance for FG syndrome 2; Cardiac valvular dysplasia, X-linked; Intestinal pseudoobstruction, neuronal, chronic idiopathic, X-linked; Frontometaphyseal dysplasia 1; Heterotopia, periventricular, X-linked dominant; Melnick-Needles syndrome; Oto-palato-digital syndrome, type I; Oto-palato-digital syndrome, type II; Terminal osseous dysplasia-pigmentary defects syndrome. Review status: criteria provided, single submitter. Criteria: ACMG Guidelines, 2015. Collection method: clinical testing. Allele origin: germline.
Comment: Absent from controls (or at extremely low frequency if recessive) in Genome Aggregation Database.;Multiple lines of computational evidence support a deleterious effect on the gene or gene product.